The following is an entry in ClinVar:

NM_147127.5(EVC2):c.816+2T>A

Gene: EVC2 (EvC ciliary complex subunit 2; minus strand). Cytogenetic location: 4p16.2.
Variant type: single nucleotide variant.
Coding change: c.816+2T>A on transcript NM_147127.5 (MANE Select); the canonical splice donor site of the intron after coding-DNA position 816, T replaced by A.
Molecular consequence: splice donor variant.
Genome position (GRCh38, 1-based): chr4:5,685,368, A>T on the plus strand (T>A on the coding strand, the complement: EVC2 is on the minus strand). VCF-style: chr4-5685368-A-T. GRCh37 (hg19) VCF-style: chr4-5687095-A-T.
Other names: c.576+2T>A (NM_001166136.2).
Identifiers: ClinVar variation 1068397 (VCV001068397.8), dbSNP rs1294715119, ClinGen allele CA356146665.

ClinVar aggregate classification (germline): Likely pathogenic (1 of 4 stars; one submission).

Conditions:
Curry-Hall syndrome (WAD). Also called: WEYERS ACRODENTAL DYSOSTOSIS. Identifiers: Orphanet 952, MedGen C0457013, MONDO:0008673, OMIM 193530.
Ellis-van Creveld syndrome (EVC). Also called: EVC-Related Ellis-van Creveld Syndrome; EVC2-Related Ellis-van Creveld Syndrome; MESOECTODERMAL DYSPLASIA; Chondroectodermal dysplasia. Identifiers: Orphanet 289, MedGen C0013903, MONDO:0009162, OMIM 225500.

Submission:

Labcorp Genetics (formerly Invitae), Labcorp
Classification: Likely pathogenic for Curry-Hall syndrome; Ellis-van Creveld syndrome. Last evaluated: 2020-05-20. Review status: criteria provided, single submitter. Criteria: Invitae Variant Classification Sherloc (09022015). Collection method: clinical testing. Allele origin: germline.
Comment: In summary, the currently available evidence indicates that the variant is pathogenic, but additional data are needed to prove that conclusively. Therefore, this variant has been classified as Likely Pathogenic. Donor and acceptor splice site variants typically lead to a loss of protein function (PMID: 16199547), and loss-of-function variants in EVC2 are known to be pathogenic (PMID: 17024374, 19810119, 19876929). Algorithms developed to predict the effect of sequence changes on RNA splicing suggest that this variant may disrupt the consensus splice site, but this prediction has not been confirmed by published transcriptional studies. This variant has not been reported in the literature in individuals with EVC2-related conditions. This variant is not present in population databases (ExAC no frequency). This sequence change affects a donor splice site in intron 6 of the EVC2 gene. It is expected to disrupt RNA splicing and likely results in an absent or disrupted protein product.

Literature cited by the submitters: PubMed 16199547; PubMed 17024374; PubMed 19810119; PubMed 19876929.